The following is an entry in ClinVar:

NM_001080467.3(MYO5B):c.2833del (p.Ser945fs)

Gene: MYO5B (myosin VB; minus strand). Cytogenetic location: 18q21.1.
Variant type: Deletion.
Coding change: c.2833del on transcript NM_001080467.3 (MANE Select); coding-DNA position 2833, one base deleted (T; older notation c.2833delT).
Protein change: p.Ser945fs; shifts the reading frame from serine 945.
Molecular consequence: frameshift variant.
Genome position (GRCh38, 1-based): chr18:49,895,153, A deleted on the plus strand (T on the coding strand, the reverse complement: MYO5B is on the minus strand); the first of 3 consecutive A bases (chr18:49,895,153-49,895,155); deleting any one gives the same sequence. VCF-style (leftmost placement, unchanged base first): chr18-49895152-GA-G. GRCh37 (hg19) VCF-style: chr18-47421522-GA-G.
Other names: short protein forms S945fs.
Identifiers: ClinVar variation 2696198 (VCV002696198.3), dbSNP rs780982522, ClinGen allele CA8960919.
Genomic context (GRCh38, chr18:49,895,152, plus strand): 5'-TCCTTCTTCAGCCGCTCTACCTCCATGGTGTATGTTGAGGTGGTCACGGACAACTGCTCT[GA>G]AAGTGTCTTGAACTCTTTGTTCTGTGGAGAACATCAGCAAACAAGGAGAAGGGAGAAGAA-3'

ClinVar aggregate classification (germline): Pathogenic (1 of 4 stars; one submission).

Submission:

Labcorp Genetics (formerly Invitae), Labcorp
Classification: Pathogenic. Last evaluated: 2023-11-15. Review status: criteria provided, single submitter. Criteria: Invitae Variant Classification Sherloc (09022015). Collection method: clinical testing. Allele origin: germline.
Comment: This sequence change creates a premature translational stop signal (p.Ser945Glnfs*6) in the MYO5B gene. It is expected to result in an absent or disrupted protein product. Loss-of-function variants in MYO5B are known to be pathogenic (PMID: 18724368, 20186687). This variant is present in population databases (rs780982522, gnomAD 0.007%). This variant has not been reported in the literature in individuals affected with MYO5B-related conditions. For these reasons, this variant has been classified as Pathogenic.

Literature cited by the submitters: PubMed 18724368; PubMed 20186687.